The following is an entry in ClinVar:

NM_001267550.2(TTN):c.105852C>G (p.Ala35284=)

Genes: TTN (titin; minus strand), TTN-AS1 (TTN antisense RNA 1; plus strand), LOC129935183 (ATAC-STARR-seq lymphoblastoid active region 16808; plus strand). Cytogenetic location: 2q31.2.
Variant type: single nucleotide variant.
Coding change: c.105852C>G on transcript NM_001267550.2 (MANE Select); coding-DNA position 105852, C replaced by G.
Protein change: p.Ala35284=; no amino-acid change (alanine 35284 retained).
Molecular consequence: synonymous variant.
Genome position (GRCh38, 1-based): chr2:178,530,763, G>C on the plus strand (C>G on the coding strand, the complement: TTN is on the minus strand). VCF-style: chr2-178530763-G-C. GRCh37 (hg19) VCF-style: chr2-179395490-G-C.
Other names: c.100929C>G, p.Ala33643= (NM_001256850.1); c.78657C>G, p.Ala26219= (NM_003319.4); c.98148C>G, p.Ala32716= (NM_133378.4); c.79032C>G, p.Ala26344= (NM_133432.3); c.79233C>G, p.Ala26411= (NM_133437.4).
Identifiers: ClinVar variation 286254 (VCV000286254.17), dbSNP rs776786546, ClinGen allele CA1985196.

ClinVar aggregate classification (germline): Conflicting classifications of pathogenicity. Review status: criteria provided, conflicting classifications (1 of 4 stars). 4 submissions from 4 submitters: Uncertain significance (1); Likely benign (3). Last evaluated 2026-06-01.

Conditions:
Cardiovascular phenotype. Identifiers: MedGen CN230736.
Autosomal recessive limb-girdle muscular dystrophy type 2J (LGMDR10). Also called: MUSCULAR DYSTROPHY, LIMB-GIRDLE, AUTOSOMAL RECESSIVE 10; Limb-girdle muscular dystrophy, type 2J. Identifiers: Orphanet 140922, MedGen C1837342, MONDO:0012127, OMIM 608807.
Dilated cardiomyopathy 1G (CMD1G). Identifiers: Orphanet 154, MedGen C1858763, MONDO:0011400, OMIM 604145.

Allele frequency attached by ClinVar (database versions not stated): gnomAD 0.00001; gnomAD exomes 0.00003 and 0.00006; TOPMed 0.00004; ExAC 0.00005.
gnomAD v4.1: 16 of 1,613,646 alleles (0.00099%); highest among the groups gnomAD compares: Admixed American, 0.027%; 1 homozygote.

Submissions (4):

CeGaT Center for Human Genetics Tuebingen
Classification: Likely benign. Last evaluated: 2026-06-01. Review status: criteria provided, single submitter. Criteria: CeGaT Center For Human Genetics Tuebingen Variant Classification Criteria Version 2. Collection method: clinical testing. Allele origin: germline. Affected: yes. Observed: 1 variant allele.
Comment: TTN: BP4, BP7

Labcorp Genetics (formerly Invitae), Labcorp
Classification: Likely benign for Dilated cardiomyopathy 1G; Autosomal recessive limb-girdle muscular dystrophy type 2J. Last evaluated: 2026-01-06. Review status: criteria provided, single submitter. Criteria: Invitae Variant Classification Sherloc (09022015). Collection method: clinical testing. Allele origin: germline.

Ambry Genetics
Classification: Likely benign for Cardiovascular phenotype. Last evaluated: 2022-04-19. Review status: criteria provided, single submitter. Criteria: Ambry Variant Classification Scheme 2023. Collection method: clinical testing. Allele origin: germline.

Eurofins Ntd Llc (ga)
Classification: Uncertain significance. Last evaluated: 2016-02-24. Review status: criteria provided, single submitter. Criteria: EGL Classification Definitions 2015. Collection method: clinical testing. Allele origin: germline. Observed: 1 variant allele, 1 heterozygote.